The following is an entry in ClinVar:

ClinVar aggregate classification (germline): Uncertain significance (1 of 4 stars; one submission).

Conditions:
Arrhythmogenic cardiomyopathy with wooly hair and keratoderma. Also called: PALMOPLANTAR KERATODERMA WITH LEFT VENTRICULAR CARDIOMYOPATHY AND WOOLLY HAIR; Carvajal syndrome; Dilated cardiomyopathy with woolly hair and keratoderma; Arrhythmogenic cardiomyopathy with woolly hair and keratoderma. Identifiers: Orphanet 65282, MedGen C1854063, MONDO:0011581, OMIM 605676.

Submission:

All of Us Research Program, National Institutes of Health
Classification: Uncertain significance for Arrhythmogenic cardiomyopathy with wooly hair and keratoderma. Last evaluated: 2024-01-03. Review status: criteria provided, single submitter. Criteria: ACMG Guidelines, 2015. Collection method: clinical testing. Allele origin: germline. Inheritance: Autosomal dominant inheritance. Observed: 1 variant allele, 1 heterozygote.
Comment: This missense variant replaces serine with alanine at codon 2839 of the DSP protein. Computational prediction suggests that this variant may not impact protein structure and function (internally defined REVEL score threshold <= 0.5, PMID: 27666373). To our knowledge, functional studies have not been reported for this variant. This variant has not been reported in individuals affected with DSP-related disorders in the literature. This variant has not been identified in the general population by the Genome Aggregation Database (gnomAD). The available evidence is insufficient to determine the role of this variant in disease conclusively. Therefore, this variant is classified as a Variant of Uncertain Significance.

This study involves interpretation of variants in research participants for the purpose of population health screening. Participant phenotype was not available at the time of variant classification. Additional details can be found in publication PMID: 35346344, PMCID: PMC8962531

NM_004415.4(DSP):c.8515T>G (p.Ser2839Ala)

Gene: DSP (desmoplakin; plus strand). Cytogenetic location: 6p24.3.
Variant type: single nucleotide variant.
Coding change: c.8515T>G on transcript NM_004415.4 (MANE Select); coding-DNA position 8515, T replaced by G.
Protein change: p.Ser2839Ala; replaces serine 2839 with alanine.
Molecular consequence: missense variant.
Genome position (GRCh38, 1-based): chr6:7,585,777, T>G. VCF-style: chr6-7585777-T-G. GRCh37 (hg19) VCF-style: chr6-7586010-T-G.
Other names: c.6718T>G, p.Ser2240Ala (NM_001008844.3); c.7186T>G, p.Ser2396Ala (NM_001319034.2); short protein forms S2240A, S2396A, S2839A.
Identifiers: ClinVar variation 3075250 (VCV003075250.1), dbSNP rs1423959710, ClinGen allele CA362695292.